The following is an entry in ClinVar:

ClinVar aggregate classification (germline): Uncertain significance (1 of 4 stars; one submission).

gnomAD v4.1: 2 of 1,613,634 alleles (0.00012%); highest among the groups gnomAD compares: Non-Finnish European, 0.00017%; no homozygotes.

Submission:

GeneDx
Classification: Uncertain significance. Last evaluated: 2026-02-09. Review status: criteria provided, single submitter. Criteria: GeneDx Variant Classification Process June 2021. Collection method: clinical testing. Allele origin: germline.
Comment: Not observed at significant frequency in large population cohorts (gnomAD); In silico analysis supports that this missense variant has a deleterious effect on protein structure/function; Has not been previously published as pathogenic or benign to our knowledge; This variant is associated with the following publications: (PMID: 25486365)

NM_001042492.3(NF1):c.7631T>G (p.Phe2544Cys)

Gene: NF1 (neurofibromin 1; plus strand). Cytogenetic location: 17q11.2.
Variant type: single nucleotide variant.
Coding change: c.7631T>G on transcript NM_001042492.3 (MANE Select); coding-DNA position 7631, T replaced by G.
Protein change: p.Phe2544Cys; replaces phenylalanine 2544 with cysteine.
Molecular consequence: missense variant.
Genome position (GRCh38, 1-based): chr17:31,356,475, T>G. VCF-style: chr17-31356475-T-G. GRCh37 (hg19) VCF-style: chr17-29683493-T-G.
Other names: c.7568T>G, p.Phe2523Cys (NM_000267.4); short protein forms F2523C, F2544C.
Identifiers: ClinVar variation 4975821 (VCV004975821.1).